The following is an entry in ClinVar:

ClinVar aggregate classification (germline): Conflicting classifications of pathogenicity. Review status: criteria provided, conflicting classifications (1 of 4 stars). 3 submissions from 2 submitters: Uncertain significance (2); Benign (1). Last evaluated 2018-01-12.

Conditions:
Familial hyperinsulinism. Also called: Congenital hyperinsulinism. Identifiers: Orphanet 276525, MedGen C3888018, MONDO:0017182. Disease mechanism: loss of function.
Maturity-onset diabetes of the young type 1. Also called: MILD JUVENILE DIABETES MELLITUS; MODY, type I; MODY type 1; Diabetes mellitus MODY type 1; MODY HNF4A related; HNF4A-Related Maturity-Onset Diabetes of the Young Type 1. Identifiers: Orphanet 552, MedGen C1852093, MONDO:0007452, OMIM 125850. Disease mechanism: loss of function.
Maturity-onset diabetes of the young (MODY). Also called: Maturity onset diabetes mellitus in young. Identifiers: Orphanet 552, MedGen C0342276, MONDO:0018911, HP:0004904.

Allele frequency attached by ClinVar (database versions not stated): gnomAD 0.00001; TOPMed 0.00002.

Submissions (3):

Illumina Laboratory Services, Illumina
Classification: Uncertain significance for Familial hyperinsulinism. Last evaluated: 2018-01-12. Review status: criteria provided, single submitter. Criteria: ICSL Variant Classification Criteria 13 December 2019. Collection method: clinical testing. Allele origin: germline.

Illumina Laboratory Services, Illumina
Classification: Uncertain significance for Maturity-onset diabetes of the young type 1. Last evaluated: 2018-01-12. Review status: criteria provided, single submitter. Criteria: ICSL Variant Classification Criteria 13 December 2019. Collection method: clinical testing. Allele origin: germline.

Clinical Genomics, Uppaluri K&H Personalized Medicine Clinic
Classification: Benign for Maturity-onset diabetes of the young. Review status: criteria provided, single submitter. Criteria: K & H Uppaluri Personalized Medicine Clinic Variant Classification & Assertion Criteria_Updated V.1. Collection method: research. Allele origin: unknown. Inheritance: Autosomal dominant inheritance.
Comment: Potent mutations in HNF4A are associated with poor insulin secretion in response to hyperglycemia. Associated with MODY1. Patients initially respond well to sulfonylureas but eventually become insulin dependent. However, more evidence is required to ascertain the role of this particular variant rs886056681 in MODY, yet.

Literature cited by the submitters: DOI 10.1159/000334532 (cited by Clinical Genomics, Uppaluri K&H Personalized Medicine Clinic); PubMed 18268044 (cited by Clinical Genomics, Uppaluri K&H Personalized Medicine Clinic); PubMed 17563455 (cited by Clinical Genomics, Uppaluri K&H Personalized Medicine Clinic); PubMed 32583173 (cited by Clinical Genomics, Uppaluri K&H Personalized Medicine Clinic); PubMed 35052457 (cited by Clinical Genomics, Uppaluri K&H Personalized Medicine Clinic); PubMed 35118593 (cited by Clinical Genomics, Uppaluri K&H Personalized Medicine Clinic).

NM_175914.5(HNF4A):c.*765G>A

Gene: HNF4A (hepatocyte nuclear factor 4 alpha; plus strand). Cytogenetic location: 20q13.12.
Variant type: single nucleotide variant.
Coding change: c.*765G>A on transcript NM_175914.5 (MANE Select); 765 bases downstream of the stop codon, G replaced by A.
Molecular consequence: 3 prime UTR variant.
Genome position (GRCh38, 1-based): chr20:44,430,430, G>A. VCF-style: chr20-44430430-G-A. GRCh37 (hg19) VCF-style: chr20-43059070-G-A.
Other names: c.*765G>A (NM_000457.6, NM_001030003.3, NM_001258355.2 and 3 more transcripts).
Identifiers: ClinVar variation 338446 (VCV000338446.6), dbSNP rs886056681, ClinGen allele CA10652531.
Genomic context (GRCh38, chr20:44,430,430, plus strand): 5'-TGGGTACTTGGGTGAGGATCCCTGAAGGCCTTCAACCCGAGAAAACAAACCCAGGTTGGC[G>A]ACTGCAACAGGAACTTGGAGTGGAGAGGAAAAGCATCAGAAAGAGGCAGACCATCCACCA-3'